The following is an entry in ClinVar:

ClinVar aggregate classification (germline): Uncertain significance. Review status: criteria provided, multiple submitters, no conflicts (2 of 4 stars). 3 submissions from 3 submitters: Uncertain significance (3). Last evaluated 2025-01-19.

Conditions:
Hereditary cancer-predisposing syndrome. Also called: Tumor predisposition; Neoplastic Syndromes, Hereditary; Hereditary neoplastic syndrome; Hereditary Cancer Syndrome. Identifiers: Orphanet 140162, MedGen C0027672, MeSH D009386, MONDO:0015356.
Familial adenomatous polyposis 1 (FAP1). Also called: POLYPOSIS, ADENOMATOUS INTESTINAL; FAMILIAL ADENOMATOUS POLYPOSIS 1, ATTENUATED. Identifiers: MedGen C2713442, MONDO:0021056, OMIM 175100. Disease mechanism: loss of function.

Allele frequency attached by ClinVar (database versions not stated): TOPMed below 0.00001.

Submissions (3):

Labcorp Genetics (formerly Invitae), Labcorp
Classification: Uncertain significance for Familial adenomatous polyposis 1. Last evaluated: 2025-01-19. Review status: criteria provided, single submitter. Criteria: Invitae Variant Classification Sherloc (09022015). Collection method: clinical testing. Allele origin: germline.
Comment: This sequence change replaces serine, which is neutral and polar, with leucine, which is neutral and non-polar, at codon 2210 of the APC protein (p.Ser2210Leu). This variant is not present in population databases (gnomAD no frequency). This variant has not been reported in the literature in individuals affected with APC-related conditions. ClinVar contains an entry for this variant (Variation ID: 630531). Invitae Evidence Modeling of protein sequence and biophysical properties (such as structural, functional, and spatial information, amino acid conservation, physicochemical variation, residue mobility, and thermodynamic stability) indicates that this missense variant is not expected to disrupt APC protein function with a negative predictive value of 95%. In summary, the available evidence is currently insufficient to determine the role of this variant in disease. Therefore, it has been classified as a Variant of Uncertain Significance.

Ambry Genetics
Classification: Uncertain significance for Hereditary cancer-predisposing syndrome. Last evaluated: 2023-12-21. Review status: criteria provided, single submitter. Criteria: Ambry Variant Classification Scheme 2023. Collection method: clinical testing. Allele origin: germline.
Comment: The p.S2210L variant (also known as c.6629C>T), located in coding exon 15 of the APC gene, results from a C to T substitution at nucleotide position 6629. The serine at codon 2210 is replaced by leucine, an amino acid with dissimilar properties. This amino acid position is well conserved in available vertebrate species. In addition, in silico predictors for this gene do not accurately predict pathogenicity. Since supporting evidence is limited at this time, the clinical significance of this alteration remains unclear.

Color Diagnostics, LLC DBA Color Health
Classification: Uncertain significance for Hereditary cancer-predisposing syndrome. Last evaluated: 2019-05-09. Review status: criteria provided, single submitter. Criteria: ACMG Guidelines, 2015. Collection method: clinical testing. Allele origin: germline.

NM_000038.6(APC):c.6629C>T (p.Ser2210Leu)

Gene: APC (APC regulator of Wnt signaling pathway; plus strand). Cytogenetic location: 5q22.2.
Variant type: single nucleotide variant.
Coding change: c.6629C>T on transcript NM_000038.6 (MANE Select); coding-DNA position 6629, C replaced by T.
Protein change: p.Ser2210Leu; replaces serine 2210 with leucine.
Molecular consequence: missense variant.
Genome position (GRCh38, 1-based): chr5:112,842,223, C>T. VCF-style: chr5-112842223-C-T. GRCh37 (hg19) VCF-style: chr5-112177920-C-T.
Other names: c.6629C>T, p.Ser2210Leu (NM_001127510.3, NM_001354895.2); c.6575C>T, p.Ser2192Leu (NM_001127511.3); c.6683C>T, p.Ser2228Leu (NM_001354896.2); c.6659C>T, p.Ser2220Leu (NM_001354897.2); c.6554C>T, p.Ser2185Leu (NM_001354898.2); c.6545C>T, p.Ser2182Leu (NM_001354899.2); c.6506C>T, p.Ser2169Leu (NM_001354900.2); c.6452C>T, p.Ser2151Leu (NM_001354901.2); and 5 more; short protein forms S2192L, S2210L, S2119L, S2185L, S2220L, S1927L, S2109L, S2151L.
Identifiers: ClinVar variation 630531 (VCV000630531.12), dbSNP rs1561608893, ClinGen allele CA16035833.